The following is an entry in ClinVar:

NM_015512.5(DNAH1):c.4705G>A (p.Gly1569Arg)

Gene: DNAH1 (dynein axonemal heavy chain 1; plus strand). Cytogenetic location: 3p21.1.
Variant type: single nucleotide variant.
Coding change: c.4705G>A on transcript NM_015512.5 (MANE Select); coding-DNA position 4705, G replaced by A.
Protein change: p.Gly1569Arg; replaces glycine 1569 with arginine.
Molecular consequence: missense variant.
Genome position (GRCh38, 1-based): chr3:52,361,183, G>A. VCF-style: chr3-52361183-G-A. GRCh37 (hg19) VCF-style: chr3-52395199-G-A.
Other names: short protein forms G1569R.
Identifiers: ClinVar variation 581114 (VCV000581114.7), dbSNP rs758847297, ClinGen allele CA2433995.

ClinVar aggregate classification (germline): Uncertain significance. Review status: criteria provided, multiple submitters, no conflicts (2 of 4 stars). 2 submissions from 2 submitters: Uncertain significance (2). Last evaluated 2023-10-17.

Conditions:
Spermatogenic failure 18. Identifiers: MedGen C4539783, MONDO:0054615, OMIM 617576.
Ciliary dyskinesia, primary, 37 (CILD37). Also called: CILIARY DYSKINESIA, PRIMARY, 37, WITH OR WITHOUT SITUS INVERSUS. Identifiers: MedGen C4539798, MONDO:0033204, OMIM 617577.

Allele frequency attached by ClinVar (database versions not stated): gnomAD exomes below 0.00001 and 0.00001; ExAC 0.00001; TOPMed 0.00001.
gnomAD v4.1: 5 of 1,610,040 alleles (0.00031%); highest among the groups gnomAD compares: Middle Eastern, 0.017%; no homozygotes.

Submissions (2):

Ambry Genetics
Classification: Uncertain significance. Last evaluated: 2023-10-17. Review status: criteria provided, single submitter. Criteria: Ambry Variant Classification Scheme 2023. Collection method: clinical testing. Allele origin: germline.

Labcorp Genetics (formerly Invitae), Labcorp
Classification: Uncertain significance for Ciliary dyskinesia, primary, 37; Spermatogenic failure 18. Last evaluated: 2018-02-08. Review status: criteria provided, single submitter. Criteria: Invitae Variant Classification Sherloc (09022015). Collection method: clinical testing. Allele origin: germline.
Comment: This sequence change replaces glycine with arginine at codon 1569 of the DNAH1 protein (p.Gly1569Arg). The glycine residue is highly conserved and there is a moderate physicochemical difference between glycine and arginine. The frequency data for this variant in the population databases is considered unreliable, as metrics indicate poor data quality at this position in the ExAC database. This variant has not been reported in the literature in individuals with DNAH1-related disease. Algorithms developed to predict the effect of missense changes on protein structure and function (SIFT, PolyPhen-2, Align-GVGD) all suggest that this variant is likely to be disruptive, but these predictions have not been confirmed by published functional studies and their clinical significance is uncertain. In summary, the available evidence is currently insufficient to determine the role of this variant in disease. Therefore, it has been classified as a Variant of Uncertain Significance. Algorithms developed to predict the effect of sequence changes on RNA splicing suggest that this variant may create or strengthen a splice site, but this prediction has not been confirmed by published transcriptional studies.